The following is an entry in ClinVar:

ClinVar aggregate classification (germline): Pathogenic. Review status: criteria provided, multiple submitters, no conflicts (2 of 4 stars). 4 submissions from 4 submitters: Pathogenic (4). Last evaluated 2025-01-31.

Conditions:
Hereditary cancer-predisposing syndrome. Also called: Neoplastic Syndromes, Hereditary; Hereditary Cancer Syndrome; Tumor predisposition; Hereditary neoplastic syndrome. Identifiers: Orphanet 140162, MedGen C0027672, MeSH D009386, MONDO:0015356.
Familial cancer of breast. Also called: Hereditary breast cancer; BREAST CANCER, FAMILIAL; hereditary breast carcinoma. Identifiers: Orphanet 227535, MedGen C0346153, MONDO:0016419, OMIM 114480. Disease mechanism: loss of function.
Ataxia-telangiectasia syndrome (AT). Also called: LOUIS-BAR SYNDROME; Cerebello-oculocutaneous telangiectasia; Immunodeficiency with ataxia telangiectasia; Ataxia-telangiectasia, complementation group D; AT, COMPLEMENTATION GROUP C; Ataxia-telangiectasia, complementation group E. Identifiers: Orphanet 100, MedGen C0004135, MONDO:0008840, OMIM 208900.

Submissions (4):

3billion
Classification: Pathogenic for Familial cancer of breast. Last evaluated: 2025-01-31. Review status: criteria provided, single submitter. Criteria: ACMG Guidelines, 2015. Collection method: clinical testing. Allele origin: germline. Affected: yes.
Comment: The variant is observed at an extremely low frequency in the gnomAD v4.1.0 dataset (total allele frequency: <0.001%). Predicted Consequence/Location: Frameshift: predicted to result in a loss or disruption of normal protein function through nonsense-mediated decay (NMD) or protein truncation. Multiple pathogenic variants are reported downstream of the variant. The variant has been reported at least twice as pathogenic without evidence for the classification (ClinVar ID: VCV000407654 /PMID: 28724667). Therefore, this variant is classified as Pathogenic according to the recommendation of ACMG/AMP guideline.

Myriad Genetics, Inc.
Classification: Pathogenic for Familial cancer of breast. Last evaluated: 2024-01-26. Review status: criteria provided, single submitter. Criteria: Myriad Autosomal Dominant, Autosomal Recessive and X-Linked Classification Criteria (2023). Collection method: clinical testing. Allele origin: unknown.
Comment: This variant is considered pathogenic. This variant creates a frameshift predicted to result in premature protein truncation.

Labcorp Genetics (formerly Invitae), Labcorp
Classification: Pathogenic for Ataxia-telangiectasia syndrome. Last evaluated: 2018-02-13. Review status: criteria provided, single submitter. Criteria: Invitae Variant Classification Sherloc (09022015). Collection method: clinical testing. Allele origin: germline.
Comment: For these reasons, this variant has been classified as Pathogenic. Loss-of-function variants in ATM are known to be pathogenic (PMID: 23807571, 25614872). This variant has been reported in individuals affected with breast cancer (PMID: 28724667). ClinVar contains an entry for this variant (Variation ID: 407654). This variant is not present in population databases (ExAC no frequency). This sequence change creates a premature translational stop signal (p.Tyr1957Cysfs*7) in the ATM gene. It is expected to result in an absent or disrupted protein product.

Ambry Genetics
Classification: Pathogenic for Hereditary cancer-predisposing syndrome. Last evaluated: 2016-08-29. Review status: criteria provided, single submitter. Criteria: Ambry Variant Classification Scheme 2023. Collection method: clinical testing. Allele origin: germline.
Comment: The c.5870_5871delAT pathogenic mutation, located in coding exon 38 of the ATM gene, results from a deletion of two nucleotides at positions 5870 to 5871, causing a translational frameshift with a predicted alternate stop codon. This alteration is expected to result in loss of function by premature protein truncation or nonsense-mediated mRNA decay. As such, this alteration is interpreted as a disease-causing mutation.

Literature cited by the submitters: PubMed 28724667 (cited by 3billion and Labcorp Genetics (formerly Invitae), Labcorp); PubMed 23807571 (cited by Labcorp Genetics (formerly Invitae), Labcorp); PubMed 25614872 (cited by Labcorp Genetics (formerly Invitae), Labcorp).

NM_000051.4(ATM):c.5870_5871del (p.Tyr1957fs)

Genes: ATM (ATM serine/threonine kinase; plus strand), C11orf65 (chromosome 11 open reading frame 65; minus strand). Cytogenetic location: 11q22.3.
Variant type: Deletion.
Coding change: c.5870_5871del on transcript NM_000051.4 (MANE Select); coding-DNA positions 5870 to 5871, 2 bases deleted (AT; older notation c.5870_5871delAT).
Protein change: p.Tyr1957fs; shifts the reading frame from tyrosine 1957.
Molecular consequence: frameshift variant. On other transcripts: intron variant (2).
Genome position (GRCh38, 1-based): chr11:108,310,267-108,310,268, AT deleted; deleting any 2 consecutive bases within chr11:108,310,266-108,310,268 gives the same sequence; the c. name uses the placement nearest the transcript's 3' end. VCF-style (leftmost placement, unchanged base first): chr11-108310265-CTA-C. GRCh37 (hg19) VCF-style: chr11-108180992-CTA-C.
Other names: c.5870_5871del, p.Tyr1957fs (NM_001351834.2); c.641-1196_641-1195del (NM_001330368.2); c.*39-1196_*39-1195del (NM_001351110.2); short protein forms Y1957fs.
Identifiers: ClinVar variation 407654 (VCV000407654.15), dbSNP rs1060501657, ClinGen allele CA16613082.
Genomic context (GRCh38, chr11:108,310,265, plus strand): 5'-AAATTATCTAGAAGTTGCCAAGGTAGCTCAGTCTTGTGCTGCTCACTTTACAGCTTTACT[CTA>C]TGCAGAAATCTATGCAGATAAGAAAAGTATGGATGATCAAGAGAAAAGGTAATGGAATTT-3'